The following is an entry in ClinVar:

NM_000334.4(SCN4A):c.3065G>A (p.Arg1022Lys)

Genes: GH-LCR (growth hormone locus control region; plus strand), SCN4A (sodium voltage-gated channel alpha subunit 4; minus strand). Cytogenetic location: 17q23.3.
Variant type: single nucleotide variant.
Coding change: c.3065G>A on transcript NM_000334.4 (MANE Select); coding-DNA position 3065, G replaced by A.
Protein change: p.Arg1022Lys; replaces arginine 1022 with lysine.
Molecular consequence: missense variant.
Genome position (GRCh38, 1-based): chr17:63,948,690, C>T on the plus strand (G>A on the coding strand, the complement: SCN4A is on the minus strand). VCF-style: chr17-63948690-C-T. GRCh37 (hg19) VCF-style: chr17-62026050-C-T.
Other names: short protein forms R1022K.
Identifiers: ClinVar variation 571589 (VCV000571589.10), dbSNP rs1285110954, ClinGen allele CA400621677.

ClinVar aggregate classification (germline): Uncertain significance. Review status: criteria provided, multiple submitters, no conflicts (2 of 4 stars). 2 submissions from 2 submitters: Uncertain significance (2). Last evaluated 2025-10-27.

Conditions:
Hyperkalemic periodic paralysis. Also called: Gamstorp disease; Familial hyperkalemic periodic paralysis. Identifiers: Orphanet 682, MedGen C0238357, MONDO:0008224, OMIM 170500, HP:0007215.

Allele frequency attached by ClinVar (database versions not stated): TOPMed below 0.00001; gnomAD exomes 0.00001.
gnomAD v4.1: 9 of 1,613,784 alleles (0.00056%); highest among the groups gnomAD compares: Non-Finnish European, 0.00076%; no homozygotes.

Submissions (2):

Labcorp Genetics (formerly Invitae), Labcorp
Classification: Uncertain significance for Hyperkalemic periodic paralysis. Last evaluated: 2025-10-27. Review status: criteria provided, single submitter. Criteria: Invitae Variant Classification Sherloc (09022015). Collection method: clinical testing. Allele origin: germline.
Comment: This sequence change replaces arginine, which is basic and polar, with lysine, which is basic and polar, at codon 1022 of the SCN4A protein (p.Arg1022Lys). This variant is not present in population databases (gnomAD no frequency). This variant has not been reported in the literature in individuals affected with SCN4A-related conditions. ClinVar contains an entry for this variant (Variation ID: 571589). Invitae Evidence Modeling of protein sequence and biophysical properties (such as structural, functional, and spatial information, amino acid conservation, physicochemical variation, residue mobility, and thermodynamic stability) indicates that this missense variant is not expected to disrupt SCN4A protein function with a negative predictive value of 95%. In summary, the available evidence is currently insufficient to determine the role of this variant in disease. Therefore, it has been classified as a Variant of Uncertain Significance.

Revvity Omics, Revvity
Classification: Uncertain significance. Last evaluated: 2025-03-18. Review status: criteria provided, single submitter. Criteria: ACMG Guidelines, 2015. Collection method: clinical testing. Allele origin: germline.